The following is an entry in ClinVar:

ClinVar aggregate classification (germline): Uncertain significance (1 of 4 stars; one submission).

Conditions:
Hereditary cancer-predisposing syndrome. Also called: Neoplastic Syndromes, Hereditary; Tumor predisposition; Hereditary Cancer Syndrome; Hereditary neoplastic syndrome. Identifiers: Orphanet 140162, MedGen C0027672, MeSH D009386, MONDO:0015356.

Submission:

Ambry Genetics
Classification: Uncertain significance for Hereditary cancer-predisposing syndrome. Last evaluated: 2025-07-17. Review status: criteria provided, single submitter. Criteria: Ambry Variant Classification Scheme 2023. Collection method: clinical testing. Allele origin: germline.
Comment: The p.V845A variant (also known as c.2534T>C), located in coding exon 17 of the BRIP1 gene, results from a T to C substitution at nucleotide position 2534. The valine at codon 845 is replaced by alanine, an amino acid with similar properties. This variant was not reported in population based cohorts in the following databases: Database of Single Nucleotide Polymorphisms (dbSNP), NHLBI Exome Sequencing Project (ESP), and 1000 Genomes Project. In the ESP, this variant was not observed in 6502 samples (13004 alleles) with coverage at this position. To date, this alteration has been detected with an allele frequency of approximately 0.001% (greater than 175000 alleles tested) in our clinical cohort. This amino acid position is highly conserved in available vertebrate species. In addition, the in silico prediction for this alteration is inconclusive. Since supporting evidence is limited at this time, the clinical significance of this alteration remains unclear.

NM_032043.3(BRIP1):c.2534T>C (p.Val845Ala)

Gene: BRIP1 (BRCA1 interacting DNA helicase 1; minus strand). Cytogenetic location: 17q23.2.
Variant type: single nucleotide variant.
Coding change: c.2534T>C on transcript NM_032043.3 (MANE Select); coding-DNA position 2534, T replaced by C.
Protein change: p.Val845Ala; replaces valine 845 with alanine.
Molecular consequence: missense variant.
Genome position (GRCh38, 1-based): chr17:61,693,471, A>G on the plus strand (T>C on the coding strand, the complement: BRIP1 is on the minus strand). VCF-style: chr17-61693471-A-G. GRCh37 (hg19) VCF-style: chr17-59770832-A-G.
Other names: short protein forms V845A.
Identifiers: ClinVar variation 483141 (VCV000483141.6), dbSNP rs1555574775, ClinGen allele CA400482421.